The following is an entry in ClinVar:

NM_144672.4(OTOA):c.96G>T (p.Leu32Phe)

Gene: OTOA (otoancorin). Cytogenetic location: 16p12.2.
Variant type: single nucleotide variant.
Coding change: c.96G>T on transcript NM_144672.4 (MANE Select); coding-DNA position 96, G replaced by T.
Protein change: p.Leu32Phe; replaces leucine 32 with phenylalanine.
Molecular consequence: missense variant.
Genome position (GRCh38, 1-based): chr16:21,678,919, G>T. VCF-style: chr16-21678919-G-T. GRCh37 (hg19) VCF-style: chr16-21690240-G-T.
Other names: short protein forms L32F.
Identifiers: ClinVar variation 229069 (VCV000229069.10), dbSNP rs372826296, ClinGen allele CA7952171.

ClinVar aggregate classification (germline): Uncertain significance. Review status: criteria provided, multiple submitters, no conflicts (2 of 4 stars). 5 submissions from 5 submitters: Uncertain significance (5). Last evaluated 2025-01-30.

Conditions:
Autosomal recessive nonsyndromic hearing loss 22. Identifiers: Orphanet 90636, MedGen C1846896, MONDO:0011762, OMIM 607039.
Inborn genetic diseases. Identifiers: MedGen C0950123, MeSH D030342.

Allele frequency attached by ClinVar (database versions not stated): ExAC 0.00002; TOPMed 0.00007.
gnomAD v4.1: 30 of 1,613,082 alleles (0.0019%); highest among the groups gnomAD compares: East Asian, 0.031%; no homozygotes.

Submissions (5):

GeneDx
Classification: Uncertain significance. Last evaluated: 2025-01-30. Review status: criteria provided, single submitter. Criteria: GeneDx Variant Classification Process June 2021. Collection method: clinical testing. Allele origin: germline. Affected: yes.
Comment: Observed as heterozygous without a second OTOA variant in an individual in published literature who had a different genetic etiology for the phenotype (PMID: 34515852); In silico analysis indicates that this missense variant does not alter protein structure/function; This variant is associated with the following publications: (PMID: 34515852)

Blueprint Genetics
Classification: Uncertain significance. Last evaluated: 2023-09-05. Review status: criteria provided, single submitter. Criteria: ACMG Guidelines, 2015. Collection method: clinical testing. Allele origin: germline.

Ambry Genetics
Classification: Uncertain significance for Inborn genetic diseases. Last evaluated: 2023-06-12. Review status: criteria provided, single submitter. Criteria: Ambry Variant Classification Scheme 2023. Collection method: clinical testing. Allele origin: germline.

Fulgent Genetics
Classification: Uncertain significance for Autosomal recessive nonsyndromic hearing loss 22. Last evaluated: 2018-10-31. Review status: criteria provided, single submitter. Criteria: ACMG Guidelines, 2015. Collection method: clinical testing. Allele origin: unknown.

Laboratory for Molecular Medicine, Mass General Brigham Personalized Medicine
Classification: Uncertain significance. Last evaluated: 2015-06-08. Review status: criteria provided, single submitter. Criteria: LMM Criteria. Collection method: clinical testing. Allele origin: germline. Observed: 1 variant allele.
Comment: The p.Leu32Phe variant in OTOA has not been previously reported in individuals w ith hearing loss. This variant has been identified in 3/8654 Asian chromosomes b y the Exome Aggregation Consortium (ExAC; dbSNP rs372826296). Computational prediction tools and conservation analyses do not pr ovide strong support for or against an impact to the protein. In summary, the cl inical significance of the p.Leu32Phe variant is uncertain.